The following is an entry in ClinVar:

NM_001199753.2(CPT1C):c.110G>A (p.Arg37His)

Gene: CPT1C (carnitine palmitoyltransferase 1C; plus strand). Cytogenetic location: 19q13.33.
Variant type: single nucleotide variant.
Coding change: c.110G>A on transcript NM_001199753.2 (MANE Select); coding-DNA position 110, G replaced by A.
Protein change: p.Arg37His; replaces arginine 37 with histidine.
Molecular consequence: missense variant. On other transcripts: non-coding transcript variant (1).
Genome position (GRCh38, 1-based): chr19:49,692,362, G>A. VCF-style: chr19-49692362-G-A. GRCh37 (hg19) VCF-style: chr19-50195619-G-A.
Other names: c.110G>A, p.Arg37His (NM_001136052.3, NM_001199752.3, NM_001378482.1 and 7 more transcripts); short protein forms R37H.
Identifiers: ClinVar variation 2728929 (VCV002728929.3), dbSNP rs759980211, ClinGen allele CA9581672.
Genomic context (GRCh38, chr19:49,692,362, plus strand): 5'-ACGGGGCTGAAGTGGAACTCAGTGCCCCTGTGCTGCAGGAGATCTACCTCTCTGGCCTGC[G>A]CTCCTGGAAAAGGCATCTCTCACGTTTCTGGGTGAGGAGCGGTGCTGGTCGGTTTCCTTC-3'
Protein context (NP_001186682.1, residues 27-47): VLQEIYLSGL[Arg37His]SWKRHLSRFW

ClinVar aggregate classification (germline): Uncertain significance (1 of 4 stars; one submission).

Conditions:
Hereditary spastic paraplegia 73. Also called: Spastic paraplegia 73, autosomal dominant. Identifiers: Orphanet 444099, MedGen C5568981, MONDO:0014568, OMIM 616282.

Allele frequency attached by ClinVar (database versions not stated): gnomAD 0.00001; gnomAD exomes 0.00001; TOPMed 0.00001; ExAC 0.00002.
gnomAD v4.1: 21 of 1,613,974 alleles (0.0013%); highest among the groups gnomAD compares: Admixed American, 0.0017%; no homozygotes.

Submission:

Labcorp Genetics (formerly Invitae), Labcorp
Classification: Uncertain significance for Hereditary spastic paraplegia 73. Last evaluated: 2022-11-03. Review status: criteria provided, single submitter. Criteria: Invitae Variant Classification Sherloc (09022015). Collection method: clinical testing. Allele origin: germline.
Comment: This variant is present in population databases (rs759980211, gnomAD 0.003%). This sequence change replaces arginine, which is basic and polar, with histidine, which is basic and polar, at codon 37 of the CPT1C protein (p.Arg37His). This variant has not been reported in the literature in individuals affected with CPT1C-related conditions. In summary, the available evidence is currently insufficient to determine the role of this variant in disease. Therefore, it has been classified as a Variant of Uncertain Significance. This variant disrupts the p.Arg37 amino acid residue in CPT1C. Other variant(s) that disrupt this residue have been determined to be pathogenic (PMID: 25751282). This suggests that this residue is clinically significant, and that variants that disrupt this residue are likely to be disease-causing. Algorithms developed to predict the effect of missense changes on protein structure and function are either unavailable or do not agree on the potential impact of this missense change (SIFT: "Tolerated"; PolyPhen-2: "Probably Damaging"; Align-GVGD: "Class C0").

Literature cited by the submitters: PubMed 25751282.